The following is an entry in ClinVar:

ClinVar aggregate classification (germline): Uncertain significance. Review status: criteria provided, multiple submitters, no conflicts (2 of 4 stars). 3 submissions from 3 submitters: Uncertain significance (3). Last evaluated 2025-11-12.

Conditions:
Fanconi anemia (FA). Also called: Fanconi's anemia. Identifiers: Orphanet 84, MedGen C0015625, MeSH D005199, MONDO:0019391.
Fanconi anemia complementation group I (FANCI). Also called: FANCI-Related Fanconi Anemia. Identifiers: Orphanet 84, MedGen C1836861, MONDO:0012186, OMIM 609053.

Allele frequency attached by ClinVar (database versions not stated): gnomAD 0.00002; TOPMed 0.00005; ExAC 0.00006; gnomAD exomes 0.00006; ESP Exome Variant Server 0.00015.
gnomAD v4.1: 69 of 1,613,940 alleles (0.0043%); highest among the groups gnomAD compares: Non-Finnish European, 0.0053%; no homozygotes.

Submissions (3):

Labcorp Genetics (formerly Invitae), Labcorp
Classification: Uncertain significance for Fanconi anemia. Last evaluated: 2025-11-12. Review status: criteria provided, single submitter. Criteria: Invitae Variant Classification Sherloc (09022015). Collection method: clinical testing. Allele origin: germline.
Comment: This sequence change replaces leucine, which is neutral and non-polar, with serine, which is neutral and polar, at codon 6 of the FANCI protein (p.Leu6Ser). This variant is present in population databases (rs369268726, gnomAD 0.009%). This variant has not been reported in the literature in individuals affected with FANCI-related conditions. ClinVar contains an entry for this variant (Variation ID: 317257). An algorithm developed to predict the effect of missense changes on protein structure and function (PolyPhen-2) suggests that this variant is likely to be disruptive. In summary, the available evidence is currently insufficient to determine the role of this variant in disease. Therefore, it has been classified as a Variant of Uncertain Significance.

Fulgent Genetics
Classification: Uncertain significance for Fanconi anemia complementation group I. Last evaluated: 2024-05-29. Review status: criteria provided, single submitter. Criteria: ACMG Guidelines, 2015. Collection method: clinical testing. Allele origin: germline.

Illumina Laboratory Services, Illumina
Classification: Uncertain significance for Fanconi anemia complementation group I. Last evaluated: 2018-01-13. Review status: criteria provided, single submitter. Criteria: ICSL Variant Classification Criteria 13 December 2019. Collection method: clinical testing. Allele origin: germline.

NM_001113378.2(FANCI):c.17T>C (p.Leu6Ser)

Gene: FANCI (FA complementation group I; plus strand). Cytogenetic location: 15q26.1.
Variant type: single nucleotide variant.
Coding change: c.17T>C on transcript NM_001113378.2 (MANE Select); coding-DNA position 17, T replaced by C.
Protein change: p.Leu6Ser; replaces leucine 6 with serine.
Molecular consequence: missense variant. On other transcripts: 5 prime UTR variant (1).
Genome position (GRCh38, 1-based): chr15:89,247,664, T>C. VCF-style: chr15-89247664-T-C. GRCh37 (hg19) VCF-style: chr15-89790895-T-C.
Other names: c.-258T>C (NM_001376910.1); c.17T>C, p.Leu6Ser (NM_001376911.1, NM_018193.3); short protein forms L6S.
Identifiers: ClinVar variation 317257 (VCV000317257.12), dbSNP rs369268726, ClinGen allele CA7722465.
Genomic context (GRCh38, chr15:89,247,664, plus strand): 5'-CACCTCTGACGTTTTTCCCTTGTAGTTCTGTGATATGAGCAACAATGGACCAGAAGATTT[T>C]ATCTCTAGCAGCAGAAAAAACAGCAGACAAACTGCAAGAATTTCTTCAAACCCTGAGAGA-3'
Protein context (NP_001106849.1, residues 1-16): MDQKI[Leu6Ser]SLAAEKTADK